The following is an entry in ClinVar:

NM_025114.4(CEP290):c.4193A>T (p.Lys1398Met)

Gene: CEP290 (centrosomal protein 290; minus strand). Cytogenetic location: 12q21.32.
Variant type: single nucleotide variant.
Coding change: c.4193A>T on transcript NM_025114.4 (MANE Select); coding-DNA position 4193, A replaced by T.
Protein change: p.Lys1398Met; replaces lysine 1398 with methionine.
Molecular consequence: missense variant.
Genome position (GRCh38, 1-based): chr12:88,087,781, T>A on the plus strand (A>T on the coding strand, the complement: CEP290 is on the minus strand). VCF-style: chr12-88087781-T-A. GRCh37 (hg19) VCF-style: chr12-88481558-T-A.
Other names: short protein forms K1398M.
Identifiers: ClinVar variation 3383491 (VCV003383491.2).

ClinVar aggregate classification (germline): Uncertain significance. Review status: criteria provided, multiple submitters, no conflicts (2 of 4 stars). 2 submissions from 2 submitters: Uncertain significance (2). Last evaluated 2024-05-30.

Conditions:
Leber congenital amaurosis 10 (LCA10). Identifiers: Orphanet 65, MedGen C1857821, MONDO:0012723, OMIM 611755.
Meckel syndrome, type 4 (MKS4). Also called: MECKEL-GRUBER SYNDROME, TYPE 4. Identifiers: Orphanet 564, MedGen C1970161, MONDO:0012626, OMIM 611134.
Bardet-Biedl syndrome 14 (BBS14). Identifiers: Orphanet 110, MedGen C2673874, MONDO:0014442, OMIM 615991.
Senior-Loken syndrome 6 (SLSN6). Identifiers: Orphanet 3156, MedGen C1857779, MONDO:0012433, OMIM 610189.
Joubert syndrome 5 (JBTS5). Identifiers: Orphanet 2318, MedGen C1857780, MONDO:0012432, OMIM 610188.

gnomAD v4.1: 1 of 1,176,496 alleles (0.000085%); highest among the groups gnomAD compares: Non-Finnish European, 0.00011%; no homozygotes.

Submissions (2):

GeneDx
Classification: Uncertain significance. Last evaluated: 2024-05-30. Review status: criteria provided, single submitter. Criteria: GeneDx Variant Classification Process June 2021. Collection method: clinical testing. Allele origin: germline. Affected: yes.
Comment: Not observed at significant frequency in large population cohorts (gnomAD); In silico analysis supports that this missense variant has a deleterious effect on protein structure/function; In silico analysis supports that this variant has a deleterious effect on splicing; Has not been previously published as pathogenic or benign to our knowledge

Fulgent Genetics
Classification: Uncertain significance for Joubert syndrome 5; Senior-Loken syndrome 6; Meckel syndrome, type 4; Leber congenital amaurosis 10; Bardet-Biedl syndrome 14. Last evaluated: 2024-02-16. Review status: criteria provided, single submitter. Criteria: ACMG Guidelines, 2015. Collection method: clinical testing. Allele origin: germline.